The following is an entry in ClinVar:

NM_001368067.1(LDB3):c.490G>C (p.Asp164His)

Genes: LDB3 (LIM domain binding 3; plus strand), LOC110121486 (VISTA enhancer hs2143; plus strand). Cytogenetic location: 10q23.2.
Variant type: single nucleotide variant.
Coding change: c.490G>C on transcript NM_001368067.1 (MANE Plus Clinical); coding-DNA position 490, G replaced by C.
Protein change: p.Asp164His; replaces aspartic acid 164 with histidine.
Molecular consequence: missense variant. On other transcripts: intron variant (5).
Genome position (GRCh38, 1-based): chr10:86,687,214, G>C. VCF-style: chr10-86687214-G-C. GRCh37 (hg19) VCF-style: chr10-88446971-G-C.
Other names: c.490G>C, p.Asp164His (NM_001080114.2, NM_001080116.1, NM_001368066.1 and 1 more transcripts); c.835G>C, p.Asp279His (NM_001171610.2, NM_001171611.2); c.690-4682G>C (NM_001368064.1, NM_001368063.1, NM_007078.3 and 2 more transcripts); short protein forms D164H, D279H.
Identifiers: ClinVar variation 532931 (VCV000532931.10), dbSNP rs1000020884, ClinGen allele CA211181343.

ClinVar aggregate classification (germline): Uncertain significance. Review status: criteria provided, multiple submitters, no conflicts (2 of 4 stars). 2 submissions from 2 submitters: Uncertain significance (2). Last evaluated 2022-12-30.

Conditions:
Dilated cardiomyopathy 1C (CMD1C). Also called: CARDIOMYOPATHY, DILATED, 1C, WITH OR WITHOUT LEFT VENTRICULAR NONCOMPACTION; Cardiomyopathy, dilated, 1C, with or without LVNC. Identifiers: Orphanet 154, Orphanet 54260, MedGen C1832244, MONDO:0011094, OMIM 601493.
Myofibrillar myopathy 4. Also called: Zaspopathy (type). Identifiers: Orphanet 98912, MedGen C4721886, MONDO:0012277, OMIM 609452.

Allele frequency attached by ClinVar (database versions not stated): gnomAD exomes below 0.00001 and 0.00001; gnomAD 0.00001; TOPMed 0.00001.
gnomAD v4.1: 15 of 1,614,100 alleles (0.00093%); highest among the groups gnomAD compares: Non-Finnish European, 0.0011%; no homozygotes.

Submissions (2):

Labcorp Genetics (formerly Invitae), Labcorp
Classification: Uncertain significance for Myofibrillar myopathy 4. Last evaluated: 2022-12-30. Review status: criteria provided, single submitter. Criteria: Invitae Variant Classification Sherloc (09022015). Collection method: clinical testing. Allele origin: germline.
Comment: This sequence change replaces aspartic acid, which is acidic and polar, with histidine, which is basic and polar, at codon 164 of the LDB3 protein (p.Asp164His). This variant is present in population databases (no rsID available, gnomAD 0.01%). This variant has not been reported in the literature in individuals affected with LDB3-related conditions. ClinVar contains an entry for this variant (Variation ID: 532931). Algorithms developed to predict the effect of missense changes on protein structure and function are either unavailable or do not agree on the potential impact of this missense change (SIFT: "Deleterious"; PolyPhen-2: "Possibly Damaging"; Align-GVGD: "Class C0"). In summary, the available evidence is currently insufficient to determine the role of this variant in disease. Therefore, it has been classified as a Variant of Uncertain Significance.

Fulgent Genetics
Classification: Uncertain significance for Dilated cardiomyopathy 1C; Myofibrillar myopathy 4. Last evaluated: 2018-10-31. Review status: criteria provided, single submitter. Criteria: ACMG Guidelines, 2015. Collection method: clinical testing. Allele origin: unknown.